The following is an entry in ClinVar:

ClinVar aggregate classification (germline): Uncertain significance (1 of 4 stars; one submission).

Submission:

GeneDx
Classification: Uncertain significance. Last evaluated: 2023-08-24. Review status: criteria provided, single submitter. Criteria: GeneDx Variant Classification Process June 2021. Collection method: clinical testing. Allele origin: germline. Affected: yes.
Comment: Reported in an individual with developmental delay, unspecified neurologic symptoms, and unspecified psychiatric diagnosis, but parental segregation and detailed clinical information were not provided (Levy et al., 2023); Not observed in large population cohorts (gnomAD); In silico analysis supports that this missense variant has a deleterious effect on protein structure/function; This variant is associated with the following publications: (PMID: 36436328)

NM_000719.7(CACNA1C):c.620T>G (p.Leu207Arg)

Gene: CACNA1C (calcium voltage-gated channel subunit alpha1 C; plus strand). Cytogenetic location: 12p13.33.
Variant type: single nucleotide variant.
Coding change: c.620T>G on transcript NM_000719.7 (MANE Select); coding-DNA position 620, T replaced by G.
Protein change: p.Leu207Arg; replaces leucine 207 with arginine.
Molecular consequence: missense variant.
Genome position (GRCh38, 1-based): chr12:2,457,569, T>G. VCF-style: chr12-2457569-T-G. GRCh37 (hg19) VCF-style: chr12-2566735-T-G.
Other names: c.620T>G, p.Leu207Arg (NM_001129827.2, NM_001129829.2, NM_001129830.3 and 19 more transcripts); short protein forms L207R.
Identifiers: ClinVar variation 1314257 (VCV001314257.4), dbSNP rs2154564925, ClinGen allele CA383367624.